The following is an entry in ClinVar:

ClinVar aggregate classification (germline): Uncertain significance (1 of 4 stars; one submission).

Conditions:
X-linked immunodeficiency with magnesium defect, Epstein-Barr virus infection and neoplasia. Identifiers: Orphanet 317476, MedGen C3275445, MONDO:0010455, OMIM 300853.

Submission:

Labcorp Genetics (formerly Invitae), Labcorp
Classification: Uncertain significance for Immunodeficiency, X-Linked, with magnesium defect, Epstein-Barr virus infection, and neoplasia. Last evaluated: 2019-06-02. Review status: criteria provided, single submitter. Criteria: Invitae Variant Classification Sherloc (09022015). Collection method: clinical testing. Allele origin: germline.
Comment: This variant results in a copy number gain of the genomic region encompassing the full coding sequence of the MAGT1 gene. The boundaries of this event are unknown as they extend beyond the assayed region for this gene and therefore may encompass additional genes. As the precise location of this event is unknown, it may be in tandem or it may be located elsewhere in the genome. This variant has not been reported in the literature in individuals with MAGT1-related conditions. In summary, the available evidence is currently insufficient to determine the role of this variant in disease. Therefore, it has been classified as a Variant of Uncertain Significance.

NC_000023.10:g.(?_77084697)_(77264780_?)dup

Genes: ATP7A (ATPase copper transporting alpha; plus strand), COX7B (cytochrome c oxidase subunit 7B; plus strand), MAGT1 (magnesium transporter 1; minus strand), PGAM4 (phosphoglycerate mutase family member 4; minus strand). Cytogenetic location: Xq21.1.
Variant type: Duplication.
Identifiers: ClinVar variation 832502 (VCV000832502.1).